The following is an entry in ClinVar:

NM_013275.6(ANKRD11):c.1805C>T (p.Ala602Val)

Gene: ANKRD11 (ankyrin repeat domain 11; minus strand). Cytogenetic location: 16q24.3.
Variant type: single nucleotide variant.
Coding change: c.1805C>T on transcript NM_013275.6 (MANE Select); coding-DNA position 1805, C replaced by T.
Protein change: p.Ala602Val; replaces alanine 602 with valine.
Molecular consequence: missense variant.
Genome position (GRCh38, 1-based): chr16:89,284,737, G>A on the plus strand (C>T on the coding strand, the complement: ANKRD11 is on the minus strand). VCF-style: chr16-89284737-G-A. GRCh37 (hg19) VCF-style: chr16-89351145-G-A.
Other names: c.1805C>T, p.Ala602Val (NM_001256182.2, NM_001256183.2); short protein forms A602V.
Identifiers: ClinVar variation 2230388 (VCV002230388.4), dbSNP rs1473654938, ClinGen allele CA397163891.

ClinVar aggregate classification (germline): Uncertain significance. Review status: criteria provided, multiple submitters, no conflicts (2 of 4 stars). 2 submissions from 2 submitters: Uncertain significance (2). Last evaluated 2024-05-21.

Conditions:
KBG syndrome (KBGS). Also called: ANKRD11-Related KBG Syndrome. Identifiers: Orphanet 2332, MedGen C0220687, MONDO:0007846, OMIM 148050.
Inborn genetic diseases. Identifiers: MedGen C0950123, MeSH D030342.

Allele frequency attached by ClinVar (database versions not stated): gnomAD 0.00001; gnomAD exomes 0.00001.
gnomAD v4.1: 9 of 1,613,464 alleles (0.00056%); highest among the groups gnomAD compares: South Asian, 0.0077%; no homozygotes.

Submissions (2):

Labcorp Genetics (formerly Invitae), Labcorp
Classification: Uncertain significance for KBG syndrome. Last evaluated: 2024-05-21. Review status: criteria provided, single submitter. Criteria: Invitae Variant Classification Sherloc (09022015). Collection method: clinical testing. Allele origin: germline.
Comment: This sequence change replaces alanine, which is neutral and non-polar, with valine, which is neutral and non-polar, at codon 602 of the ANKRD11 protein (p.Ala602Val). This variant is present in population databases (no rsID available, gnomAD 0.006%). This variant has not been reported in the literature in individuals affected with ANKRD11-related conditions. ClinVar contains an entry for this variant (Variation ID: 2230388). Advanced modeling of protein sequence and biophysical properties (such as structural, functional, and spatial information, amino acid conservation, physicochemical variation, residue mobility, and thermodynamic stability) performed at Invitae indicates that this missense variant is not expected to disrupt ANKRD11 protein function with a negative predictive value of 95%. In summary, the available evidence is currently insufficient to determine the role of this variant in disease. Therefore, it has been classified as a Variant of Uncertain Significance.

Ambry Genetics
Classification: Uncertain significance for Inborn genetic diseases. Last evaluated: 2021-04-29. Review status: criteria provided, single submitter. Criteria: Ambry Variant Classification Scheme 2023. Collection method: clinical testing. Allele origin: germline.